The following is an entry in ClinVar:

ClinVar aggregate classification (germline): Uncertain significance (1 of 4 stars; one submission).

Allele frequency attached by ClinVar (database versions not stated): TOPMed below 0.00001; gnomAD 0.00001; gnomAD exomes 0.00002 and 0.00004; ExAC 0.00004; ESP Exome Variant Server 0.00009; 1000 Genomes Project 30x 0.00016; 1000 Genomes Project 0.00020.
gnomAD v4.1: 51 of 1,611,414 alleles (0.0032%); highest among the groups gnomAD compares: Non-Finnish European, 0.0042%; no homozygotes.

Submission:

Labcorp Genetics (formerly Invitae), Labcorp
Classification: Uncertain significance. Last evaluated: 2021-06-23. Review status: criteria provided, single submitter. Criteria: Invitae Variant Classification Sherloc (09022015). Collection method: clinical testing. Allele origin: germline.
Comment: This sequence change falls in intron 8 of the C7 gene. It does not directly change the encoded amino acid sequence of the C7 protein. It affects a nucleotide within the consensus splice site of the intron. This variant is present in population databases (rs180932456, ExAC 0.008%). This variant has not been reported in the literature in individuals with C7-related conditions. Nucleotide substitutions within the consensus splice site are a relatively common cause of aberrant splicing (PMID: 17576681, 9536098). Algorithms developed to predict the effect of sequence changes on RNA splicing suggest that this variant may disrupt the consensus splice site, but this prediction has not been confirmed by published transcriptional studies. In summary, the available evidence is currently insufficient to determine the role of this variant in disease. Therefore, it has been classified as a Variant of Uncertain Significance.

Literature cited by the submitters: PubMed 17576681; PubMed 9536098.

NM_000587.4(C7):c.982+3A>G

Gene: C7 (complement C7; plus strand). Cytogenetic location: 5p13.1.
Variant type: single nucleotide variant.
Coding change: c.982+3A>G on transcript NM_000587.4 (MANE Select); 3 bases into the intron after coding-DNA position 982, A replaced by G.
Molecular consequence: intron variant.
Genome position (GRCh38, 1-based): chr5:40,947,848, A>G. VCF-style: chr5-40947848-A-G. GRCh37 (hg19) VCF-style: chr5-40947950-A-G.
Identifiers: ClinVar variation 1433258 (VCV001433258.3), dbSNP rs180932456, ClinGen allele CA3249798.